The following is an entry in ClinVar:

ClinVar aggregate classification (germline): Pathogenic (1 of 4 stars; one submission).

Conditions:
Mucopolysaccharidosis type 1. Also called: IDUA deficiency; MPS I; Mucopolysaccharidosis Type I. Identifiers: Orphanet 579, MedGen C0023786, MONDO:0001586.

Submission:

Myriad Genetics, Inc.
Classification: Pathogenic for Mucopolysaccharidosis type 1. Last evaluated: 2026-08-07. Review status: criteria provided, single submitter. Criteria: Myriad Autosomal Dominant, Autosomal Recessive and X-Linked Classification Criteria (2023). Collection method: clinical testing. Allele origin: unknown.
Comment: NM_000203.3(IDUA):c.349dupT(Y117Lfs*15) is expected to be pathogenic in the context of mucopolysaccharidosis type I. This variant is predicted to lead to an abnormal or absent protein product due to the creation of a premature termination codon in IDUA, a gene where loss-of-function variants are known to be pathogenic. Please note: this variant was assessed in the context of healthy population screening.

NM_000203.5(IDUA):c.349dup (p.Tyr117fs)

Gene: IDUA (alpha-L-iduronidase; plus strand). Cytogenetic location: 4p16.3.
Variant type: Duplication.
Coding change: c.349dup on transcript NM_000203.5 (MANE Select); coding-DNA position 349, one base duplicated (T; older notation c.349dupT).
Protein change: p.Tyr117fs; shifts the reading frame from tyrosine 117.
Molecular consequence: frameshift variant. On other transcripts: 5 prime UTR variant (1), non-coding transcript variant (1).
Genome position (GRCh38, 1-based): chr4:1,000,661, T duplicated. VCF-style (leftmost placement, unchanged base first): chr4-1000660-G-GT. GRCh37 (hg19) VCF-style: chr4-994448-G-GT.
Other names: c.-48dup (NM_001363576.1); short protein forms Y117fs.
Identifiers: ClinVar variation 5016209 (VCV005016209.1).